The following is an entry in ClinVar:

NM_001242896.3(DEPDC5):c.3916T>G (p.Ser1306Ala)

Gene: DEPDC5 (DEP domain containing 5, GATOR1 subcomplex subunit; plus strand). Cytogenetic location: 22q12.3.
Variant type: single nucleotide variant.
Coding change: c.3916T>G on transcript NM_001242896.3 (MANE Select); coding-DNA position 3916, T replaced by G.
Protein change: p.Ser1306Ala; replaces serine 1306 with alanine.
Molecular consequence: missense variant. On other transcripts: non-coding transcript variant (5).
Genome position (GRCh38, 1-based): chr22:31,879,635, T>G. VCF-style: chr22-31879635-T-G. GRCh37 (hg19) VCF-style: chr22-32275621-T-G.
Other names: c.3889T>G, p.Ser1297Ala (NM_001136029.4); c.3616T>G, p.Ser1206Ala (NM_001242897.2); c.3850T>G, p.Ser1284Ala (NM_001363852.2, NM_001364320.2); c.3682T>G, p.Ser1228Ala (NM_001363854.2, NM_001364319.2); c.3916T>G, p.Ser1306Ala (NM_001364318.2); c.3832T>G, p.Ser1278Ala (NM_001369901.1, NM_001369902.1); c.3823T>G, p.Ser1275Ala (NM_001369903.1, NM_014662.6); short protein forms S1228A, S1306A, S1206A, S1278A, S1275A, S1297A, S1284A.
Identifiers: ClinVar variation 3714540 (VCV003714540.2).

ClinVar aggregate classification (germline): Uncertain significance (1 of 4 stars; one submission).

Conditions:
Familial focal epilepsy with variable foci (FPEVF). Identifiers: Orphanet 98820, MedGen C1858477, MONDO:0020310.

gnomAD v4.1: 4 of 1,614,090 alleles (0.00025%); highest among the groups gnomAD compares: Non-Finnish European, 0.00034%; no homozygotes.

Submission:

Labcorp Genetics (formerly Invitae), Labcorp
Classification: Uncertain significance for Familial focal epilepsy with variable foci. Last evaluated: 2024-10-16. Review status: criteria provided, single submitter. Criteria: Invitae Variant Classification Sherloc (09022015). Collection method: clinical testing. Allele origin: germline.
Comment: This sequence change replaces serine, which is neutral and polar, with alanine, which is neutral and non-polar, at codon 1306 of the DEPDC5 protein (p.Ser1306Ala). This variant is present in population databases (rs766471416, gnomAD 0.002%). This variant has not been reported in the literature in individuals affected with DEPDC5-related conditions. Experimental studies and prediction algorithms are not available or were not evaluated, and the functional significance of this variant is currently unknown. In summary, the available evidence is currently insufficient to determine the role of this variant in disease. Therefore, it has been classified as a Variant of Uncertain Significance.